The following is an entry in ClinVar:

ClinVar aggregate classification (germline): Uncertain significance (1 of 4 stars; one submission).

gnomAD v4.1: 1 of 1,593,596 alleles (0.000063%); no homozygotes.

Submission:

Labcorp Genetics (formerly Invitae), Labcorp
Classification: Uncertain significance. Last evaluated: 2025-08-29. Review status: criteria provided, single submitter. Criteria: Invitae Variant Classification Sherloc (09022015). Collection method: clinical testing. Allele origin: germline.
Comment: This sequence change replaces phenylalanine, which is neutral and non-polar, with serine, which is neutral and polar, at codon 516 of the LEMD3 protein (p.Phe516Ser). This variant is not present in population databases (gnomAD no frequency). This variant has not been reported in the literature in individuals affected with LEMD3-related conditions. ClinVar contains an entry for this variant (Variation ID: 3676175). Invitae Evidence Modeling of protein sequence and biophysical properties (such as structural, functional, and spatial information, amino acid conservation, physicochemical variation, residue mobility, and thermodynamic stability) indicates that this missense variant is not expected to disrupt LEMD3 protein function with a negative predictive value of 80%. In summary, the available evidence is currently insufficient to determine the role of this variant in disease. Therefore, it has been classified as a Variant of Uncertain Significance.

NM_014319.5(LEMD3):c.1547T>C (p.Phe516Ser)

Gene: LEMD3 (LEM domain containing 3; plus strand). Cytogenetic location: 12q14.3.
Variant type: single nucleotide variant.
Coding change: c.1547T>C on transcript NM_014319.5 (MANE Select); coding-DNA position 1547, T replaced by C.
Protein change: p.Phe516Ser; replaces phenylalanine 516 with serine.
Molecular consequence: missense variant.
Genome position (GRCh38, 1-based): chr12:65,210,950, T>C. VCF-style: chr12-65210950-T-C. GRCh37 (hg19) VCF-style: chr12-65604730-T-C.
Other names: c.1544T>C, p.Phe515Ser (NM_001167614.2); short protein forms F515S, F516S.
Identifiers: ClinVar variation 3676175 (VCV003676175.2).